The following is an entry in ClinVar:

ClinVar aggregate classification (germline): Uncertain significance (1 of 4 stars; one submission).

Conditions:
Hereditary cancer-predisposing syndrome. Also called: Tumor predisposition; Neoplastic Syndromes, Hereditary; Hereditary Cancer Syndrome; Hereditary neoplastic syndrome. Identifiers: Orphanet 140162, MedGen C0027672, MeSH D009386, MONDO:0015356.

Allele frequency attached by ClinVar (database versions not stated): gnomAD exomes below 0.00001.
gnomAD v4.1: 1 of 1,614,038 alleles (0.000062%); highest among the groups gnomAD compares: South Asian, 0.0011%; no homozygotes.

Submission:

Ambry Genetics
Classification: Uncertain significance for Hereditary cancer-predisposing syndrome. Last evaluated: 2026-02-11. Review status: criteria provided, single submitter. Criteria: Ambry Variant Classification Scheme 2023. Collection method: clinical testing. Allele origin: germline.
Comment: The c.20+5G>A intronic variant results from a G to A substitution 5 nucleotides after coding exon 1 in the MRE11A gene. This nucleotide position is highly conserved in available vertebrate species. In silico splice site analysis predicts that this alteration will weaken the native splice donor site. Based on the available evidence, the clinical significance of this variant remains unclear.

NM_005591.4(MRE11):c.20+5G>A

Gene: MRE11 (MRE11 double strand break repair nuclease; minus strand). Cytogenetic location: 11q21.
Variant type: single nucleotide variant.
Coding change: c.20+5G>A on transcript NM_005591.4 (MANE Select); 5 bases into the intron after coding-DNA position 20, G replaced by A.
Molecular consequence: intron variant.
Genome position (GRCh38, 1-based): chr11:94,492,777, C>T on the plus strand (G>A on the coding strand, the complement: MRE11 is on the minus strand). VCF-style: chr11-94492777-C-T. GRCh37 (hg19) VCF-style: chr11-94225943-C-T.
Other names: c.20+5G>A (NM_001330347.2, NM_005590.4).
Identifiers: ClinVar variation 820487 (VCV000820487.5), dbSNP rs1591730274, ClinGen allele CA915948386.
Genomic context (GRCh38, chr11:94,492,777, plus strand): 5'-GTGATCACAGTTGACGAGCTTTAGAAACCCCAAATAACAAGGGATTCCAGAAGTCAGGTG[C>T]TTACAGTGCATCTGCAGTACTCATTTTTATGGTCAGTCAAGCTCCTCTGGGACCAGGTTC-3'